The following is an entry in ClinVar:

NM_003647.3(DGKE):c.791_792del (p.Cys264fs)

Gene: DGKE (diacylglycerol kinase epsilon; plus strand). Cytogenetic location: 17q22.
Variant type: Deletion.
Coding change: c.791_792del on transcript NM_003647.3 (MANE Select); coding-DNA positions 791 to 792, 2 bases deleted (GT; older notation c.791_792delGT).
Protein change: p.Cys264fs; shifts the reading frame from cysteine 264.
Molecular consequence: frameshift variant.
Genome position (GRCh38, 1-based): chr17:56,847,968-56,847,969, GT deleted; deleting any 2 consecutive bases within chr17:56,847,967-56,847,969 gives the same sequence; the c. name uses the placement nearest the transcript's 3' end. VCF-style (leftmost placement, unchanged base first): chr17-56847966-CTG-C. GRCh37 (hg19) VCF-style: chr17-54925327-CTG-C.
Other names: short protein forms C264fs.
Identifiers: ClinVar variation 4280365 (VCV004280365.1).

ClinVar aggregate classification (germline): Pathogenic, low penetrance (1 of 4 stars; one submission).

Conditions:
Atypical hemolytic-uremic syndrome. Identifiers: Orphanet 2134, MedGen C2931788, MONDO:0016244.

Submission:

Genomenon, Inc
Classification: Pathogenic, low penetrance for Atypical hemolytic-uremic syndrome. Last evaluated: 2025-09-26. Review status: criteria provided, single submitter. Criteria: Genomenon Sequence Variant Interpretation Standards - Updated. Collection method: curation. Allele origin: germline. Affected: yes.
Comment: DGKE p.Cys264TyrfsTer27 (c.791_792del) is a frameshift variant that results in the production of a truncated protein which is predicted to undergo nonsense-mediated mRNA decay. This variant has been observed in at least one proband affected with atypical hemolytic-uremic syndrome (PMID:32091318). It is absent or not present at a significant frequency in gnomAD. In conclusion, we classify DGKE p.Cys264TyrfsTer27 (c.791_792del) as a pathogenic, low penetrance variant.

Literature cited by the submitters: PubMed 32091318.